The following is an entry in ClinVar:

NM_020312.4(COQ9):c.730C>T (p.Arg244Ter)

Gene: COQ9 (coenzyme Q9; plus strand). Cytogenetic location: 16q21.
Variant type: single nucleotide variant.
Coding change: c.730C>T on transcript NM_020312.4 (MANE Select); coding-DNA position 730, C replaced by T.
Protein change: p.Arg244Ter; replaces arginine 244 with a stop codon.
Molecular consequence: nonsense.
Genome position (GRCh38, 1-based): chr16:57,459,583, C>T. VCF-style: chr16-57459583-C-T. GRCh37 (hg19) VCF-style: chr16-57493495-C-T.
Other names: short protein forms R244*.
Identifiers: ClinVar variation 431 (VCV000000431.11), dbSNP rs267606751, ClinGen allele CA114275.
Genomic context (GRCh38, chr16:57,459,583, plus strand): 5'-GACTTGCACCAGCCCACAGCGGTAGTGTGGGTTTCTTTACAGTTTAACTGGTACACCCGC[C>T]GAGCCATGCTGGCTGCCATCTACAACACAACAGAGCTGGTGATGATGCAGGACTCCTCTC-3'

ClinVar aggregate classification (germline): Pathogenic/Likely pathogenic. Review status: criteria provided, multiple submitters, no conflicts (2 of 4 stars). 6 submissions from 6 submitters: Pathogenic (3); Likely pathogenic (1). 2 of the submissions do not count toward it. Last evaluated 2026-05-19.

Conditions:
Possible mitochondrial disorder - nuclear genes.
Encephalopathy-hypertrophic cardiomyopathy-renal tubular disease syndrome. Identifiers: Orphanet 319678, MedGen C3553374, MONDO:0013840, OMIM 614654.

Allele frequency attached by ClinVar (database versions not stated): gnomAD exomes 0.00001 and 0.00004; TOPMed 0.00003; gnomAD 0.00002.
gnomAD v4.1: 56 of 1,614,030 alleles (0.0035%); highest among the groups gnomAD compares: South Asian, 0.0044%; no homozygotes.

Submissions (6):

Genetics Laboratory, Great Ormond Street Hospital NHS Foundation Trust, North Thames Genomic Laboratory Hub
Classification: Likely pathogenic for Possible mitochondrial disorder - nuclear genes. Last evaluated: 2026-05-19. Review status: criteria provided, single submitter. Criteria: ACGS Best Practice Guidelines for Variant Classification in Rare Disease 2024 v1.2. Collection method: clinical testing. Allele origin: germline. Affected: yes.
Comment: PM2_moderate, PVS1_strong, PM3_moderate, PP4_supporting

Labcorp Genetics (formerly Invitae), Labcorp
Classification: Pathogenic. Last evaluated: 2025-11-03. Review status: criteria provided, single submitter. Criteria: Invitae Variant Classification Sherloc (09022015). Collection method: clinical testing. Allele origin: germline.
Comment: This sequence change creates a premature translational stop signal (p.Arg244*) in the COQ9 gene. It is expected to result in an absent or disrupted protein product. Loss-of-function variants in COQ9 are known to be pathogenic (PMID: 19375058, 26081641). This variant is present in population databases (rs267606751, gnomAD 0.009%). This premature translational stop signal has been observed in individual(s) with coenzyme Q10 deficiency (PMID: 19375058). ClinVar contains an entry for this variant (Variation ID: 431). For these reasons, this variant has been classified as Pathogenic.

Women's Health and Genetics/Laboratory Corporation of America, LabCorp
Classification: Pathogenic for Coenzyme Q10 deficiency, primary, 5. Last evaluated: 2020-05-13. Review status: criteria provided, single submitter. Criteria: LabCorp Variant Classification Summary - May 2015. Collection method: clinical testing. Allele origin: germline. Inheritance: Autosomal recessive inheritance.
Comment: Variant summary: COQ9 c.730C>T (p.Arg244X) results in a premature termination codon, predicted to cause a truncation of the encoded protein or absence of the protein due to nonsense mediated decay, which are commonly known mechanisms for disease. The variant allele was found at a frequency of 1.2e-05 in 251792 control chromosomes. c.730C>T has been reported in the literature in at-least one individual affected with Autosomal-Recessive Neonatal-Onset Primary Coenzyme Q10 Deficiency (Coenzyme Q10 Deficiency, Primary, 5, Duncan_2009). These data indicate that the variant is likely to be associated with disease. Several publications report experimental evidence and mouse models evaluating an impact on protein function (example, Duncan_2009, Lopez_2010, Garcia-Corzo_2013, Luna-Sanchez_2015, Quinzii_2010). The most pronounced variant effect resulted in ~10% of the normal coenzyme Q10 biosynthesis rate (Duncan_2009), and the generation of a homozygous mouse model with the orthologous variant R239X showed a severe CoQ10 deficiency (Garcia-Corzo_2013, Hidalgo-Gutierrez_2019). One reputed database (GeneReviews) has submitted clinical-significance assessments for this variant to ClinVar after 2014 and classified the variant as pathogenic. Based on the evidence outlined above, the variant was classified as pathogenic.

Dubai Health Genomic Medicine Center, Dubai Health
Classification: Pathogenic for Encephalopathy-hypertrophic cardiomyopathy-renal tubular disease syndrome. Last evaluated: 2020-03-19. Review status: criteria provided, single submitter. Criteria: ACMG Guidelines, 2015. Collection method: clinical testing. Allele origin: germline. Affected: yes.
Comment: The Arg244* variant in COQ9 has been previously reported in the homozygous state in one individual with Coenzyme Q10 deficiency (PubMed: 19375058). This variant was also identified in 2/21646 (0.0092%) European Finnish alleles in the Genome Aggregation Database (gnomAD). This nonsense variant which affects the only known COQ9 transcriot leads to a premature termination codon at position 244 which is predicted to lead to a truncated or absent protein. Functional studies using fibrobalsts from patients carryring the p.Arg244* variant and a mouse model with the homologous variant at this position showed signficantly reduced levels of coenzyme Q10 (CoQ10) and several phenotypes related to this deficiency (PubMed: 23255162 20495179). In summary this variant meets our criteria to be classified as pathogenic.

OMIM
Classification: Pathogenic for COENZYME Q10 DEFICIENCY, PRIMARY, 5. Last evaluated: 2010-10-01. Review status: no assertion criteria provided. Collection method: literature only. Allele origin: germline. Not counted in ClinVar's aggregate classification.

GeneReviews
No classification provided. Condition: Encephalopathy-hypertrophic cardiomyopathy-renal tubular disease syndrome. Review status: no classification provided. Collection method: literature only. Allele origin: germline. Not counted in ClinVar's aggregate classification.

Literature cited by the submitters: PubMed 19375058 (cited by 3 submitters); PubMed 26081641 (cited by Labcorp Genetics (formerly Invitae), Labcorp); PubMed 23255162 (cited by Women's Health and Genetics/Laboratory Corporation of America, LabCorp); PubMed 28736527 (cited by Women's Health and Genetics/Laboratory Corporation of America, LabCorp); PubMed 20689595 (cited by Women's Health and Genetics/Laboratory Corporation of America, LabCorp); PubMed 25802402 (cited by Women's Health and Genetics/Laboratory Corporation of America, LabCorp); PubMed 20495179 (cited by Women's Health and Genetics/Laboratory Corporation of America, LabCorp and OMIM); PubMed 22490322 (cited by Women's Health and Genetics/Laboratory Corporation of America, LabCorp); PubMed 30482867 (cited by Women's Health and Genetics/Laboratory Corporation of America, LabCorp); PubMed 29255295 (cited by Women's Health and Genetics/Laboratory Corporation of America, LabCorp); NCBI Bookshelf NBK410087 (cited by GeneReviews).